The following is an entry in ClinVar:

NM_206933.4(USH2A):c.14917G>A (p.Val4973Met)

Gene: USH2A (usherin; minus strand). Cytogenetic location: 1q41.
Variant type: single nucleotide variant.
Coding change: c.14917G>A on transcript NM_206933.4 (MANE Select); coding-DNA position 14917, G replaced by A.
Protein change: p.Val4973Met; replaces valine 4973 with methionine.
Molecular consequence: missense variant.
Genome position (GRCh38, 1-based): chr1:215,640,609, C>T on the plus strand (G>A on the coding strand, the complement: USH2A is on the minus strand). VCF-style: chr1-215640609-C-T. GRCh37 (hg19) VCF-style: chr1-215813951-C-T.
Other names: c.14917G>A (NM_206933.2); short protein forms V4973M.
Identifiers: ClinVar variation 2056685 (VCV002056685.7), dbSNP rs201426385, ClinGen allele CA1392886.

ClinVar aggregate classification (germline): Uncertain significance. Review status: criteria provided, multiple submitters, no conflicts (2 of 4 stars). 7 submissions from 6 submitters: Uncertain significance (7). Last evaluated 2026-05-04.

Conditions:
USH2A-related disorder. Also called: USH2A-related condition; USH2A-related disorders. Identifiers: MedGen CN239332.
Retinitis pigmentosa 39 (RP39). Identifiers: Orphanet 791, MedGen C3151138, MONDO:0013436, OMIM 613809.
Usher syndrome type 2A. Also called: RETINAL DISEASE IN USHER SYNDROME TYPE IIA, MODIFIER OF; USHER SYNDROME, TYPE IIA. Identifiers: Orphanet 231178, Orphanet 886, MedGen C1848634, MONDO:0010169, OMIM 276901.
Retinal dystrophy. Also called: Inherited retinal dystrophy. Identifiers: Orphanet 71862, MedGen C0854723, MeSH D058499, MONDO:0019118, HP:0000556.

Allele frequency attached by ClinVar (database versions not stated): ExAC 0.00003; gnomAD 0.00003; TOPMed 0.00003; gnomAD exomes 0.00004; ESP Exome Variant Server 0.00015.
gnomAD v4.1: 58 of 1,613,722 alleles (0.0036%); highest among the groups gnomAD compares: Middle Eastern, 0.033%; no homozygotes.

Submissions (7):

PreventionGenetics, part of Exact Sciences
Classification: Uncertain significance for USH2A-related condition. Last evaluated: 2026-05-04. Review status: criteria provided, single submitter. Criteria: ACMG Guidelines, 2015. Collection method: clinical testing. Allele origin: germline.
Comment: The USH2A c.14917G>A variant is predicted to result in the amino acid substitution p.Val4973Met. This variant has been reported in a patient with retinitis pigmentosa (Goto et al. 2024. PubMed ID: 38499336). This variant is reported in 0.0044% of alleles in individuals of European (Non-Finnish) descent in gnomAD. At this time, the clinical significance of this variant is uncertain due to the absence of conclusive functional and genetic evidence.

GeneDx
Classification: Uncertain significance. Last evaluated: 2025-09-23. Review status: criteria provided, single submitter. Criteria: GeneDx Variant Classification Process June 2021. Collection method: clinical testing. Allele origin: germline.
Comment: Not observed at significant frequency in large population cohorts (gnomAD); In silico analysis suggests that this missense variant does not alter protein structure/function; Has not been previously published as pathogenic or benign to our knowledge

Labcorp Genetics (formerly Invitae), Labcorp
Classification: Uncertain significance. Last evaluated: 2025-01-31. Review status: criteria provided, single submitter. Criteria: Invitae Variant Classification Sherloc (09022015). Collection method: clinical testing. Allele origin: germline.
Comment: This sequence change replaces valine, which is neutral and non-polar, with methionine, which is neutral and non-polar, at codon 4973 of the USH2A protein (p.Val4973Met). This variant is present in population databases (rs201426385, gnomAD 0.004%). This variant has not been reported in the literature in individuals affected with USH2A-related conditions. ClinVar contains an entry for this variant (Variation ID: 2056685). Invitae Evidence Modeling of protein sequence and biophysical properties (such as structural, functional, and spatial information, amino acid conservation, physicochemical variation, residue mobility, and thermodynamic stability) indicates that this missense variant is not expected to disrupt USH2A protein function with a negative predictive value of 95%. In summary, the available evidence is currently insufficient to determine the role of this variant in disease. Therefore, it has been classified as a Variant of Uncertain Significance.

Blueprint Genetics
Classification: Uncertain significance. Last evaluated: 2024-04-24. Review status: criteria provided, single submitter. Criteria: ACMG Guidelines, 2015. Collection method: clinical testing. Allele origin: germline.

Genome-Nilou Lab
Classification: Uncertain significance for Retinitis pigmentosa 39. Last evaluated: 2023-11-04. Review status: criteria provided, single submitter. Criteria: ACMG Guidelines, 2015. Collection method: clinical testing. Allele origin: germline. Affected: no.

Genome-Nilou Lab
Classification: Uncertain significance for Usher syndrome type 2A. Last evaluated: 2023-11-04. Review status: criteria provided, single submitter. Criteria: ACMG Guidelines, 2015. Collection method: clinical testing. Allele origin: germline. Affected: no.

Dept Of Ophthalmology, Nagoya University
Classification: Uncertain significance for Retinal dystrophy. Last evaluated: 2023-10-01. Review status: criteria provided, single submitter. Criteria: Submitter's publication. Collection method: research. Allele origin: germline. Affected: yes.